The following is an entry in ClinVar:

NM_001358530.2(MOCS1):c.1141A>G (p.Ile381Val)

Gene: MOCS1 (molybdenum cofactor synthesis 1; minus strand). Cytogenetic location: 6p21.2.
Variant type: single nucleotide variant.
Coding change: c.1141A>G on transcript NM_001358530.2 (MANE Select); coding-DNA position 1141, A replaced by G.
Protein change: p.Ile381Val; replaces isoleucine 381 with valine.
Molecular consequence: missense variant. On other transcripts: intron variant (1).
Genome position (GRCh38, 1-based): chr6:39,909,064, T>C on the plus strand (A>G on the coding strand, the complement: MOCS1 is on the minus strand). VCF-style: chr6-39909064-T-C. GRCh37 (hg19) VCF-style: chr6-39876840-T-C.
Other names: c.1141A>G, p.Ile381Val (NM_001075098.4, NM_005943.6); c.880A>G, p.Ile294Val (NM_001358531.2, NM_001358533.2, NM_001358534.2); c.1102+771A>G (NM_001358529.2); short protein forms I294V, I381V.
Identifiers: ClinVar variation 1054440 (VCV001054440.9), dbSNP rs1767130999, ClinGen allele CA364041780.

ClinVar aggregate classification (germline): Uncertain significance (1 of 4 stars; one submission).

Conditions:
Sulfite oxidase deficiency due to molybdenum cofactor deficiency type A. Also called: Molybdenum Cofactor Deficiency A; Molybdenum cofactor deficiency, complementation group A. Identifiers: Orphanet 308386, Orphanet 833, MedGen C1854988, MONDO:0009643, OMIM 252150.

Allele frequency attached by ClinVar (database versions not stated): TOPMed below 0.00001.

Submission:

Labcorp Genetics (formerly Invitae), Labcorp
Classification: Uncertain significance for Sulfite oxidase deficiency due to molybdenum cofactor deficiency type A. Last evaluated: 2022-07-11. Review status: criteria provided, single submitter. Criteria: Invitae Variant Classification Sherloc (09022015). Collection method: clinical testing. Allele origin: germline.
Comment: In summary, the available evidence is currently insufficient to determine the role of this variant in disease. Therefore, it has been classified as a Variant of Uncertain Significance. Algorithms developed to predict the effect of missense changes on protein structure and function are either unavailable or do not agree on the potential impact of this missense change (SIFT: "Deleterious"; PolyPhen-2: "Benign"; Align-GVGD: "Class C0"). ClinVar contains an entry for this variant (Variation ID: 1054440). This variant has not been reported in the literature in individuals affected with MOCS1-related conditions. This variant is not present in population databases (gnomAD no frequency). This sequence change replaces isoleucine, which is neutral and non-polar, with valine, which is neutral and non-polar, at codon 381 of the MOCS1 protein (p.Ile381Val).